The following is an entry in ClinVar:

ClinVar aggregate classification (germline): Uncertain significance (0 of 4 stars; one submission).

Conditions:
Angelman syndrome (AS). Also called: HAPPY PUPPET SYNDROME. Identifiers: Orphanet 72, MedGen C0162635, MONDO:0007113, OMIM 105830. Disease mechanism: loss of function. Inheritance: AS is caused by disruption of maternally imprinted UBE3A located within the 15q11.2-q13 Angelman syndrome/Prader-Willi syndrome (AS/PWS) region., imprinting disorder.

Submission:

Baylor Genetics
Classification: Uncertain significance for Angelman syndrome. Last evaluated: 2014-02-14. Review status: no assertion criteria provided. Collection method: clinical testing. Allele origin: germline. Affected: yes. Observed: 1 variant allele. Study: UBE3A Mutation Study.
Comment: possible diagnosis of Angelman syndrome

Data collected from clinical UBE3A sequence analysis results

Literature cited by the submitters: PubMed 25212744.

NM_130839.5(UBE3A):c.1823A>C (p.Gln608Pro)

Genes: SNHG14 (small nucleolar RNA host gene 14; plus strand), UBE3A (ubiquitin protein ligase E3A; minus strand). Cytogenetic location: 15q11.2.
Variant type: single nucleotide variant.
Coding change: c.1823A>C on transcript NM_130839.5 (MANE Select); coding-DNA position 1823, A replaced by C.
Protein change: p.Gln608Pro; replaces glutamine 608 with proline.
Molecular consequence: missense variant. On other transcripts: non-coding transcript variant (1).
Genome position (GRCh38, 1-based): chr15:25,356,827, T>G on the plus strand (A>C on the coding strand, the complement: UBE3A is on the minus strand). VCF-style: chr15-25356827-T-G. GRCh37 (hg19) VCF-style: chr15-25601974-T-G.
Other names: c.1832A>C, p.Gln611Pro (NM_000462.5); c.1823A>C, p.Gln608Pro (NM_001354505.1, NM_001354538.2, NM_001354545.2); c.1763A>C, p.Gln588Pro (NM_001354506.2, NM_001354507.2, NM_001354508.2 and 17 more transcripts); c.1646A>C, p.Gln549Pro (NM_001354546.2); c.572A>C, p.Gln191Pro (NM_001354550.2); c.512A>C, p.Gln171Pro (NM_001354551.2); short protein forms Q588P, Q171P, Q549P, Q611P, Q191P, Q608P.
Identifiers: ClinVar variation 156137 (VCV000156137.1), dbSNP rs587782919, ClinGen allele CA333436.